The following is an entry in ClinVar:

NM_000465.4(BARD1):c.1440G>C (p.Leu480Phe)

Gene: BARD1 (BRCA1 associated RING domain 1; minus strand). Cytogenetic location: 2q35.
Variant type: single nucleotide variant.
Coding change: c.1440G>C on transcript NM_000465.4 (MANE Select); coding-DNA position 1440, G replaced by C.
Protein change: p.Leu480Phe; replaces leucine 480 with phenylalanine.
Molecular consequence: missense variant. On other transcripts: non-coding transcript variant (3), intron variant (3).
Genome position (GRCh38, 1-based): chr2:214,767,610, C>G on the plus strand (G>C on the coding strand, the complement: BARD1 is on the minus strand). VCF-style: chr2-214767610-C-G. GRCh37 (hg19) VCF-style: chr2-215632334-C-G.
Other names: c.1383G>C, p.Leu461Phe (NM_001282543.2); c.159-15055G>C (NM_001282548.2); c.216-15055G>C (NM_001282545.2); c.364+24687G>C (NM_001282549.2); short protein forms L480F, L461F.
Identifiers: ClinVar variation 576799 (VCV000576799.22), dbSNP rs1354724039, ClinGen allele CA350448581.

ClinVar aggregate classification (germline): Uncertain significance. Review status: criteria provided, multiple submitters, no conflicts (2 of 4 stars). 4 submissions from 4 submitters: Uncertain significance (4). Last evaluated 2025-05-01.

Conditions:
Hereditary cancer-predisposing syndrome. Also called: Tumor predisposition; Hereditary neoplastic syndrome; Hereditary Cancer Syndrome; Neoplastic Syndromes, Hereditary. Identifiers: Orphanet 140162, MedGen C0027672, MeSH D009386, MONDO:0015356.
Familial cancer of breast. Also called: hereditary breast carcinoma; BREAST CANCER, FAMILIAL; Hereditary breast cancer. Identifiers: Orphanet 227535, MedGen C0346153, MONDO:0016419, OMIM 114480. Disease mechanism: loss of function.

Allele frequency attached by ClinVar (database versions not stated): TOPMed below 0.00001.

Submissions (4):

GeneDx
Classification: Uncertain significance. Last evaluated: 2025-05-01. Review status: criteria provided, single submitter. Criteria: GeneDx Variant Classification Process June 2021. Collection method: clinical testing. Allele origin: germline. Affected: yes.
Comment: Not observed at significant frequency in large population cohorts (gnomAD); In silico analysis supports that this missense variant has a deleterious effect on protein structure/function; Has not been previously published as pathogenic or benign to our knowledge; This variant is associated with the following publications: (PMID: 18480049)

Labcorp Genetics (formerly Invitae), Labcorp
Classification: Uncertain significance for Familial cancer of breast. Last evaluated: 2025-02-18. Review status: criteria provided, single submitter. Criteria: Invitae Variant Classification Sherloc (09022015). Collection method: clinical testing. Allele origin: germline.
Comment: This sequence change replaces leucine, which is neutral and non-polar, with phenylalanine, which is neutral and non-polar, at codon 480 of the BARD1 protein (p.Leu480Phe). This variant is not present in population databases (gnomAD no frequency). This variant has not been reported in the literature in individuals affected with BARD1-related conditions. ClinVar contains an entry for this variant (Variation ID: 576799). An algorithm developed to predict the effect of missense changes on protein structure and function (PolyPhen-2) suggests that this variant is likely to be disruptive. In summary, the available evidence is currently insufficient to determine the role of this variant in disease. Therefore, it has been classified as a Variant of Uncertain Significance.

Ambry Genetics
Classification: Uncertain significance for Hereditary cancer-predisposing syndrome. Last evaluated: 2024-04-01. Review status: criteria provided, single submitter. Criteria: Ambry Variant Classification Scheme 2023. Collection method: clinical testing. Allele origin: germline.
Comment: The p.L480F variant (also known as c.1440G>C), located in coding exon 6 of the BARD1 gene, results from a G to C substitution at nucleotide position 1440. The leucine at codon 480 is replaced by phenylalanine, an amino acid with highly similar properties. This amino acid position is highly conserved in available vertebrate species. In addition, this alteration is predicted to be deleterious by in silico analysis. Since supporting evidence is limited at this time, the clinical significance of this alteration remains unclear.

Color Diagnostics, LLC DBA Color Health
Classification: Uncertain significance for Hereditary cancer-predisposing syndrome. Last evaluated: 2023-12-05. Review status: criteria provided, single submitter. Criteria: ACMG Guidelines, 2015. Collection method: clinical testing. Allele origin: germline.
Comment: This missense variant replaces leucine with phenylalanine at codon 480 of the BARD1 protein. Computational prediction suggests that this variant may have deleterious impact on protein structure and function (internally defined REVEL score threshold >= 0.7, PMID: 27666373). To our knowledge, functional studies have not been reported for this variant. This variant has not been reported in individuals affected with BARD1-related disorders in the literature. This variant has not been identified in the general population by the Genome Aggregation Database (gnomAD). The available evidence is insufficient to determine the role of this variant in disease conclusively. Therefore, this variant is classified as a Variant of Uncertain Significance.